The following is an entry in ClinVar:

NM_000059.4(BRCA2):c.1134dup (p.Gly379fs)

Gene: BRCA2 (BRCA2 DNA repair associated; plus strand). Cytogenetic location: 13q13.1.
Variant type: Duplication.
Coding change: c.1134dup on transcript NM_000059.4 (MANE Select); coding-DNA position 1134, one base duplicated (T; older notation c.1134dupT).
Protein change: p.Gly379fs; shifts the reading frame from glycine 379.
Molecular consequence: frameshift variant.
Genome position (GRCh38, 1-based): chr13:32,332,612, T duplicated. VCF-style (leftmost placement, unchanged base first): chr13-32332611-G-GT. GRCh37 (hg19) VCF-style: chr13-32906748-G-GT.
Other names: c.1134dup, p.Gly379Trpfs (NM_001406719.1, NM_001406720.1, NM_001406721.1); short protein forms G379fs.
Identifiers: ClinVar variation 2431273 (VCV002431273.1), dbSNP rs2548519619, ClinGen allele CA2580086936.

ClinVar aggregate classification (germline): Pathogenic (1 of 4 stars; one submission).

Conditions:
Breast-ovarian cancer, familial, susceptibility to, 2 (BROVCA2). Also called: BRCA2 Hereditary Breast and Ovarian Cancer. Identifiers: Orphanet 145, MedGen C2675520, MONDO:0012933, OMIM 612555. Disease mechanism: loss of function.

Submission:

Myriad Genetics, Inc.
Classification: Pathogenic for Breast-ovarian cancer, familial, susceptibility to, 2. Last evaluated: 2023-01-10. Review status: criteria provided, single submitter. Criteria: Myriad Autosomal Dominant, Autosomal Recessive and X-Linked Classification Criteria (2023). Collection method: clinical testing. Allele origin: unknown.
Comment: This variant is considered pathogenic. This variant creates a frameshift predicted to result in premature protein truncation.